The following is an entry in ClinVar:

ClinVar aggregate classification (germline): Pathogenic/Likely pathogenic. Review status: criteria provided, multiple submitters, no conflicts (2 of 4 stars). 3 submissions from 3 submitters: Pathogenic (2); Likely pathogenic (1). Last evaluated 2025-09-01.

Conditions:
Fanconi anemia complementation group A (FANCA). Also called: FANCA-Related Fanconi Anemia; Fanconi anemia, group A. Identifiers: Orphanet 84, MedGen C3469521, MONDO:0009215, OMIM 227650.

Submissions (3):

CeGaT Center for Human Genetics Tuebingen
Classification: Pathogenic. Last evaluated: 2025-09-01. Review status: criteria provided, single submitter. Criteria: CeGaT Center For Human Genetics Tuebingen Variant Classification Criteria Version 2. Collection method: clinical testing. Allele origin: germline. Affected: yes. Observed: 1 variant allele.
Comment: FANCC: PVS1, PM2, PM3:Supporting

GeneDx
Classification: Likely pathogenic. Last evaluated: 2024-02-20. Review status: criteria provided, single submitter. Criteria: GeneDx Variant Classification Process June 2021. Collection method: clinical testing. Allele origin: germline. Affected: yes.
Comment: Frameshift variant predicted to result in protein truncation or nonsense mediated decay in a gene for which loss-of-function is a known mechanism of disease; Not observed at significant frequency in large population cohorts (gnomAD); Has not been previously published as pathogenic or benign to our knowledge

Mendelics
Classification: Pathogenic for Fanconi anemia complementation group A. Last evaluated: 2019-05-28. Review status: criteria provided, single submitter. Criteria: Mendelics Assertion Criteria 2017. Collection method: clinical testing. Allele origin: unknown.

NM_000136.3(FANCC):c.519del (p.Arg173fs)

Gene: FANCC (FA complementation group C; minus strand). Cytogenetic location: 9q22.32.
Variant type: Deletion.
Coding change: c.519del on transcript NM_000136.3 (MANE Select); coding-DNA position 519, one base deleted (G; older notation c.519delG).
Protein change: p.Arg173fs; shifts the reading frame from arginine 173.
Molecular consequence: frameshift variant.
Genome position (GRCh38, 1-based): chr9:95,171,081, C deleted on the plus strand (G on the coding strand, the reverse complement: FANCC is on the minus strand); the first of 2 consecutive C bases (chr9:95,171,081-95,171,082); deleting either gives the same sequence. VCF-style (leftmost placement, unchanged base first): chr9-95171080-GC-G. GRCh37 (hg19) VCF-style: chr9-97933362-GC-G.
Other names: c.519del (NM_000136.2); c.519del, p.Arg173fs (NM_001243743.2, NM_001243744.2); short protein forms R173fs.
Identifiers: ClinVar variation 584740 (VCV000584740.11), dbSNP rs1564719070, ClinGen allele CA891843273.